The following is an entry in ClinVar:

ClinVar aggregate classification (germline): Pathogenic. Review status: criteria provided, multiple submitters, no conflicts (2 of 4 stars). 2 submissions from 2 submitters: Pathogenic (2). Last evaluated 2024-07-18.

Submissions (2):

GeneDx
Classification: Pathogenic. Last evaluated: 2024-07-18. Review status: criteria provided, single submitter. Criteria: GeneDx Variant Classification Process June 2021. Collection method: clinical testing. Allele origin: germline. Affected: yes.
Comment: Nonsense variant predicted to result in protein truncation or nonsense mediated decay in a gene for which loss of function is a known mechanism of disease; Not observed at significant frequency in large population cohorts (gnomAD); This variant is associated with the following publications: (PMID: 36083290, 35032046, 30577886, 30640974, 35935366)

Genomic Diagnostic Laboratory, Division of Genomic Diagnostics, Children's Hospital of Philadelphia
Classification: Pathogenic. Last evaluated: 2015-03-06. Review status: criteria provided, single submitter. Criteria: DGD Variant Analysis Guidelines. Collection method: clinical testing. Allele origin: unknown.

NM_001904.4(CTNNB1):c.1867C>T (p.Gln623Ter)

Gene: CTNNB1 (catenin beta 1; plus strand). Cytogenetic location: 3p22.1.
Variant type: single nucleotide variant.
Coding change: c.1867C>T on transcript NM_001904.4 (MANE Select); coding-DNA position 1867, C replaced by T.
Protein change: p.Gln623Ter; replaces glutamine 623 with a stop codon.
Molecular consequence: nonsense.
Genome position (GRCh38, 1-based): chr3:41,236,412, C>T. VCF-style: chr3-41236412-C-T. GRCh37 (hg19) VCF-style: chr3-41277903-C-T.
Other names: c.1867C>T, p.Gln623Ter (NM_001098209.2, NM_001098210.2); c.1846C>T, p.Gln616Ter (NM_001330729.2); short protein forms Q623*, Q616*.
Identifiers: ClinVar variation 218599 (VCV000218599.2), dbSNP rs864309577, ClinGen allele CA249331.